The following is an entry in ClinVar:

NM_001374259.2(IL12RB2):c.1394G>A (p.Gly465Asp)

Gene: IL12RB2 (interleukin 12 receptor subunit beta 2; plus strand). Cytogenetic location: 1p31.3.
Variant type: single nucleotide variant.
Coding change: c.1394G>A on transcript NM_001374259.2 (MANE Select); coding-DNA position 1394, G replaced by A.
Protein change: p.Gly465Asp; replaces glycine 465 with aspartic acid.
Molecular consequence: missense variant. On other transcripts: non-coding transcript variant (2).
Genome position (GRCh38, 1-based): chr1:67,367,960, G>A. VCF-style: chr1-67367960-G-A. GRCh37 (hg19) VCF-style: chr1-67833643-G-A.
Other names: c.1394G>A, p.Gly465Asp (NM_001258214.1, NM_001258215.1, NM_001258216.1 and 2 more transcripts); c.1394G>A (NM_001559.2); short protein forms G465D.
Identifiers: ClinVar variation 1166571 (VCV001166571.12), dbSNP rs2307153, ClinGen allele CA900480.

ClinVar aggregate classification (germline): Benign. Review status: criteria provided, multiple submitters, no conflicts (2 of 4 stars). 3 submissions from 3 submitters: Benign (2). 1 of the submissions does not count toward it. Last evaluated 2026-02-04.

Conditions:
IL12RB2-related disorder. Also called: IL12RB2-related condition.

Allele frequency attached by ClinVar (database versions not stated): 1000 Genomes Project 0.00739; 1000 Genomes Project 30x 0.00750; TOPMed 0.01366; ESP Exome Variant Server 0.01399; ExAC 0.01409; gnomAD 0.01472 and 0.01528.
gnomAD v4.1: 30,622 of 1,610,054 alleles (1.9%); highest among the groups gnomAD compares: Non-Finnish European, 2.3%; 342 homozygotes.

Submissions (3):

Labcorp Genetics (formerly Invitae), Labcorp
Classification: Benign. Last evaluated: 2026-02-04. Review status: criteria provided, single submitter. Criteria: Invitae Variant Classification Sherloc (09022015). Collection method: clinical testing. Allele origin: germline.

Breakthrough Genomics
Classification: Benign. Review status: criteria provided, single submitter. Criteria: ACMG Guidelines, 2015. Collection method: not provided. Allele origin: germline. Inheritance: Unknown mechanism. Affected: yes.

PreventionGenetics, part of Exact Sciences
Classification: Benign for IL12RB2-related condition. Last evaluated: 2019-03-06. Review status: no assertion criteria provided. Collection method: clinical testing. Allele origin: germline. Not counted in ClinVar's aggregate classification.
Comment: This variant is classified as benign based on ACMG/AMP sequence variant interpretation guidelines (Richards et al. 2015 PMID: 25741868, with internal and published modifications).